The following is an entry in ClinVar:

NM_001003800.2(BICD2):c.1369C>A (p.Arg457Ser)

Gene: BICD2 (BICD cargo adaptor 2; minus strand). Cytogenetic location: 9q22.31.
Variant type: single nucleotide variant.
Coding change: c.1369C>A on transcript NM_001003800.2 (MANE Select); coding-DNA position 1369, C replaced by A.
Protein change: p.Arg457Ser; replaces arginine 457 with serine.
Molecular consequence: missense variant.
Genome position (GRCh38, 1-based): chr9:92,719,276, G>T on the plus strand (C>A on the coding strand, the complement: BICD2 is on the minus strand). VCF-style: chr9-92719276-G-T. GRCh37 (hg19) VCF-style: chr9-95481558-G-T.
Other names: c.1369C>A, p.Arg457Ser (NM_015250.4); short protein forms R457S.
Identifiers: ClinVar variation 655140 (VCV000655140.9), dbSNP rs376220375, ClinGen allele CA374038608.

ClinVar aggregate classification (germline): Uncertain significance (1 of 4 stars; one submission).

Conditions:
Autosomal dominant childhood-onset proximal spinal muscular atrophy with contractures (SMALED2A). Also called: Spinal muscular atrophy, lower extremity-predominant, 2A, autosomal dominant; SPINAL MUSCULAR ATROPHY, LOWER EXTREMITY-PREDOMINANT, 2A, CHILDHOOD ONSET, AUTOSOMAL DOMINANT. Identifiers: Orphanet 363447, Orphanet 363454, MedGen C4747715, MONDO:0014121, OMIM 615290.

Submission:

Labcorp Genetics (formerly Invitae), Labcorp
Classification: Uncertain significance for Autosomal dominant childhood-onset proximal spinal muscular atrophy with contractures. Last evaluated: 2018-12-27. Review status: criteria provided, single submitter. Criteria: Invitae Variant Classification Sherloc (09022015). Collection method: clinical testing. Allele origin: germline.
Comment: Algorithms developed to predict the effect of missense changes on protein structure and function (SIFT, PolyPhen-2, Align-GVGD) all suggest that this variant is likely to be tolerated, but these predictions have not been confirmed by published functional studies and their clinical significance is uncertain. This variant has not been reported in the literature in individuals with BICD2-related conditions. This variant is not present in population databases (ExAC no frequency). This sequence change replaces arginine with serine at codon 457 of the BICD2 protein (p.Arg457Ser). The arginine residue is weakly conserved and there is a moderate physicochemical difference between arginine and serine. In summary, the available evidence is currently insufficient to determine the role of this variant in disease. Therefore, it has been classified as a Variant of Uncertain Significance.